The following is an entry in ClinVar:

NM_000092.5(COL4A4):c.4211G>A (p.Gly1404Glu)

Gene: COL4A4 (collagen type IV alpha 4 chain; minus strand). Cytogenetic location: 2q36.3.
Variant type: single nucleotide variant.
Coding change: c.4211G>A on transcript NM_000092.5 (MANE Select); coding-DNA position 4211, G replaced by A.
Protein change: p.Gly1404Glu; replaces glycine 1404 with glutamic acid.
Molecular consequence: missense variant.
Genome position (GRCh38, 1-based): chr2:227,022,053, C>T on the plus strand (G>A on the coding strand, the complement: COL4A4 is on the minus strand). VCF-style: chr2-227022053-C-T. GRCh37 (hg19) VCF-style: chr2-227886769-C-T.
Other names: short protein forms G1404E.
Identifiers: ClinVar variation 4855636 (VCV004855636.1).

ClinVar aggregate classification (germline): Uncertain significance (1 of 4 stars; one submission).

Conditions:
Autosomal recessive Alport syndrome (ATS2). Also called: COL4A4 Alport Syndrome and Thin Basement Membrane Nephropathy; ALPORT SYNDROME 2, AUTOSOMAL RECESSIVE; Alport syndrome type 2; COL4A3-Related Nephropathy. Identifiers: Orphanet 63, Orphanet 88919, MedGen C4746745, MONDO:0008762, OMIM 203780.

Submission:

3billion
Classification: Uncertain significance for Autosomal recessive Alport syndrome. Last evaluated: 2025-10-23. Review status: criteria provided, single submitter. Criteria: ACMG Guidelines, 2015. Collection method: clinical testing. Allele origin: germline. Affected: yes.
Comment: The variant is not observed in the gnomAD v4.1.0 dataset. Predicted Consequence/Location: The variant is located in a mutational hot spot and/or well-established functional domain in which established pathogenic variants have been reported (PMID: 30311386). In silico tool predictions suggest damaging effect of the variant on gene or gene product [REVEL: 0.69 (>=0.6, sensitivity 0.68 and specificity 0.92); 3Cnet: 0.97 (> 0.75, sensitivity 0.96 and precision 0.92)]. Therefore, this variant is classified as VUS according to the recommendation of ACMG/AMP guideline.